The following is an entry in ClinVar:

NM_174936.4(PCSK9):c.1009G>A (p.Gly337Arg)

Gene: PCSK9 (proprotein convertase subtilisin/kexin type 9; plus strand). Cytogenetic location: 1p32.3.
Variant type: single nucleotide variant.
Coding change: c.1009G>A on transcript NM_174936.4 (MANE Select); coding-DNA position 1009, G replaced by A.
Protein change: p.Gly337Arg; replaces glycine 337 with arginine.
Molecular consequence: missense variant. On other transcripts: non-coding transcript variant (7).
Genome position (GRCh38, 1-based): chr1:55,057,343, G>A. VCF-style: chr1-55057343-G-A. GRCh37 (hg19) VCF-style: chr1-55523016-G-A.
Other names: c.1132G>A, p.Gly378Arg (NM_001407240.1); c.1009G>A, p.Gly337Arg (NM_001407241.1, NM_001407244.1, NM_001407247.1); c.1012G>A, p.Gly338Arg (NM_001407242.1); c.952G>A, p.Gly318Arg (NM_001407243.1); c.817G>A, p.Gly273Arg (NM_001407245.1); c.634G>A, p.Gly212Arg (NM_001407246.1); short protein forms G212R, G273R, G318R, G337R, G338R, G378R.
Identifiers: ClinVar variation 3071804 (VCV003071804.1), dbSNP rs865848494, ClinGen allele CA22763728.
Genomic context (GRCh38, chr1:55,057,343, plus strand): 5'-CCCTCTCTTGGGCTCCTTTCTCTGCCACCCACCTCCTCACCTTTCCAGGTCATCACAGTT[G>A]GGGCCACCAATGCCCAAGACCAGCCGGTGACCCTGGGGACTTTGGGGACCAACTTTGGCC-3'
Protein context (NP_777596.2, residues 327-347): PASAPEVITV[Gly337Arg]ATNAQDQPVT

ClinVar aggregate classification (germline): Uncertain significance (1 of 4 stars; one submission).

Conditions:
Hypercholesterolemia, autosomal dominant, 3 (FHCL3). Also called: Familial Hypercholesterolemia, Autosomal Dominant, 3; PCSK9-Related Familial Hypercholesterolemia, Autosomal Dominant; Familial hypercholesterolemia 3. Identifiers: MedGen C1863551, MONDO:0011369, OMIM 603776.

Allele frequency attached by ClinVar (database versions not stated): gnomAD exomes below 0.00001; gnomAD 0.00001.
gnomAD v4.1: 3 of 1,613,732 alleles (0.00019%); highest among the groups gnomAD compares: South Asian, 0.0033%; no homozygotes.

Submission:

All of Us Research Program, National Institutes of Health
Classification: Uncertain significance for Hypercholesterolemia, autosomal dominant, 3. Last evaluated: 2023-06-26. Review status: criteria provided, single submitter. Criteria: ACMG Guidelines, 2015. Collection method: clinical testing. Allele origin: germline. Inheritance: Autosomal dominant inheritance. Observed: 1 variant allele, 1 heterozygote.
Comment: This missense variant replaces glycine with arginine at codon 337 of the PCSK9 protein. Computational prediction suggests that this variant may have deleterious impact on protein structure and function (internally defined REVEL score threshold >= 0.7, PMID: 27666373). To our knowledge, functional studies have not been reported for this variant. This variant has not been reported in individuals affected with PCSK9-related disorders in the literature. This variant has been identified in 1/31390 chromosomes in the general population by the Genome Aggregation Database (gnomAD). The available evidence is insufficient to determine the role of this variant in disease conclusively. Therefore, this variant is classified as a Variant of Uncertain Significance.

This study involves interpretation of variants in research participants for the purpose of population health screening. Participant phenotype was not available at the time of variant classification. Additional details can be found in publication PMID: 35346344, PMCID: PMC8962531